The following is an entry in ClinVar:

ClinVar aggregate classification (germline): Uncertain significance. Review status: criteria provided, multiple submitters, no conflicts (2 of 4 stars). 2 submissions from 2 submitters: Uncertain significance (2). Last evaluated 2024-06-09.

Conditions:
Ehlers-Danlos syndrome, type 4 (EDSVASC). Also called: Ehlers-Danlos syndrome vascular type; Ehlers Danlos syndrome, ecchymotic type; Ehlers Danlos syndrome, arterial type; Ehlers Danlos syndrome, Sack-Barabas type; Ehlers-Danlos Syndrome Type IV. Identifiers: Orphanet 286, MedGen C0268338, MONDO:0017314, OMIM 130050.

Allele frequency attached by ClinVar (database versions not stated): 1000 Genomes Project 0.00020; 1000 Genomes Project 30x 0.00031; gnomAD 0.00001.

Submissions (2):

All of Us Research Program, National Institutes of Health
Classification: Uncertain significance for Ehlers-Danlos syndrome, type 4. Last evaluated: 2024-06-09. Review status: criteria provided, single submitter. Criteria: ACMG Guidelines, 2015. Collection method: clinical testing. Allele origin: germline. Inheritance: Autosomal dominant inheritance. Observed: 1 variant allele, 1 heterozygote.
Comment: This missense variant replaces valine with aspartic acid at codon 754 of the COL3A1 protein. Computational prediction suggests that this variant may not impact protein structure and function (internally defined REVEL score threshold <= 0.5, PMID: 27666373). To our knowledge, functional studies have not been reported for this variant. This variant has not been reported in individuals affected with COL3A1-related disorders in the literature. This variant has not been identified in the general population by the Genome Aggregation Database (gnomAD). The available evidence is insufficient to determine the role of this variant in disease conclusively. Therefore, this variant is classified as a Variant of Uncertain Significance.

This study involves interpretation of variants in research participants for the purpose of population health screening. Participant phenotype was not available at the time of variant classification. Additional details can be found in publication PMID: 35346344, PMCID: PMC8962531

Labcorp Genetics (formerly Invitae), Labcorp
Classification: Uncertain significance for Ehlers-Danlos syndrome, type 4. Last evaluated: 2021-08-30. Review status: criteria provided, single submitter. Criteria: Invitae Variant Classification Sherloc (09022015). Collection method: clinical testing. Allele origin: germline.
Comment: This sequence change replaces valine with aspartic acid at codon 754 of the COL3A1 protein (p.Val754Asp). The valine residue is moderately conserved and there is a large physicochemical difference between valine and aspartic acid. This variant is not present in population databases (ExAC no frequency). This missense change has been observed in individual(s) with clinical features of Ehlers-Danlos syndrome (Invitae). Advanced modeling of protein sequence and biophysical properties (such as structural, functional, and spatial information, amino acid conservation, physicochemical variation, residue mobility, and thermodynamic stability) performed at Invitae indicates that this missense variant is not expected to disrupt COL3A1 protein function. In summary, the available evidence is currently insufficient to determine the role of this variant in disease. Therefore, it has been classified as a Variant of Uncertain Significance.

NM_000090.4(COL3A1):c.2261T>A (p.Val754Asp)

Gene: COL3A1 (collagen type III alpha 1 chain; plus strand). Cytogenetic location: 2q32.2.
Variant type: single nucleotide variant.
Coding change: c.2261T>A on transcript NM_000090.4 (MANE Select); coding-DNA position 2261, T replaced by A.
Protein change: p.Val754Asp; replaces valine 754 with aspartic acid.
Molecular consequence: missense variant.
Genome position (GRCh38, 1-based): chr2:188,999,873, T>A. VCF-style: chr2-188999873-T-A. GRCh37 (hg19) VCF-style: chr2-189864599-T-A.
Other names: short protein forms V754D.
Identifiers: ClinVar variation 1426596 (VCV001426596.6), dbSNP rs200390941, ClinGen allele CA62554935.